The following is an entry in ClinVar:

ClinVar aggregate classification (germline): Likely benign. Review status: criteria provided, single submitter (1 of 4 stars). 2 submissions from 2 submitters: Likely benign (1). 1 of the submissions does not count toward it. Last evaluated 2025-09-07.

Conditions:
TTN-related disorder. Also called: TTN-related condition; TTN-related disease; TTN-related disorders.
Dilated cardiomyopathy 1G (CMD1G). Identifiers: Orphanet 154, MedGen C1858763, MONDO:0011400, OMIM 604145.
Autosomal recessive limb-girdle muscular dystrophy type 2J (LGMDR10). Also called: Limb-girdle muscular dystrophy, type 2J; MUSCULAR DYSTROPHY, LIMB-GIRDLE, AUTOSOMAL RECESSIVE 10. Identifiers: Orphanet 140922, MedGen C1837342, MONDO:0012127, OMIM 608807.

Allele frequency attached by ClinVar (database versions not stated): 1000 Genomes Project 30x 0.00094.

Submissions (2):

Labcorp Genetics (formerly Invitae), Labcorp
Classification: Likely benign for Dilated cardiomyopathy 1G; Autosomal recessive limb-girdle muscular dystrophy type 2J. Last evaluated: 2025-09-07. Review status: criteria provided, single submitter. Criteria: Invitae Variant Classification Sherloc (09022015). Collection method: clinical testing. Allele origin: germline.

PreventionGenetics, part of Exact Sciences
Classification: Likely benign for TTN-related condition. Last evaluated: 2021-04-19. Review status: no assertion criteria provided. Collection method: clinical testing. Allele origin: germline. Not counted in ClinVar's aggregate classification.
Comment: This variant is classified as likely benign based on ACMG/AMP sequence variant interpretation guidelines (Richards et al. 2015 PMID: 25741868, with internal and published modifications).

NM_001267550.2(TTN):c.38727A>G (p.Glu12909=)

Gene: TTN (titin; minus strand). Cytogenetic location: 2q31.2.
Variant type: single nucleotide variant.
Coding change: c.38727A>G on transcript NM_001267550.2 (MANE Select); coding-DNA position 38727, A replaced by G.
Protein change: p.Glu12909=; no amino-acid change (glutamic acid 12909 retained).
Molecular consequence: synonymous variant. On other transcripts: intron variant (5).
Genome position (GRCh38, 1-based): chr2:178,653,302, T>C on the plus strand (A>G on the coding strand, the complement: TTN is on the minus strand). VCF-style: chr2-178653302-T-C. GRCh37 (hg19) VCF-style: chr2-179518029-T-C.
Other names: c.13283-10985A>G (NM_003319.4); c.13859-10985A>G (NM_133437.4); c.13658-10985A>G (NM_133432.3); c.31742-761A>G (NM_133378.4); c.34523-761A>G (NM_001256850.1).
Identifiers: ClinVar variation 3046955 (VCV003046955.4), dbSNP rs750789099, ClinGen allele CA1997075.
Genomic context (GRCh38, chr2:178,653,302, plus strand): 5'-AACAGGTGGGACTTCAGGCTTTTTAGGAGGAGCCAAGGGCACTTTCTTTTCAAGGACAAC[T>C]TCTTTGGGAGCCTCTGGCACTTAAAAGATATTAGTAAAGTTACATGTAGAGCTATGGAGA-3'
Protein context (NP_001254479.2, residues 12899-12919): PPVTVPEAPK[Glu12909=]VVLEKKVPLA